The following is an entry in ClinVar:

ClinVar aggregate classification (germline): Uncertain significance. Review status: criteria provided, multiple submitters, no conflicts (2 of 4 stars). 2 submissions from 2 submitters: Uncertain significance (2). Last evaluated 2025-02-21.

Conditions:
Primary failure of tooth eruption. Also called: DENTAL NONERUPTION; PRIMARY RETENTION OF TEETH; UNERUPTED SECOND PRIMARY MOLAR; POSTERIOR OPENBITE MALOCCLUSION, FAMILIAL. Identifiers: Orphanet 412206, MedGen C1852222, MONDO:0007434, OMIM 125350.
Chondrodysplasia Blomstrand type (BOCD). Identifiers: Orphanet 50945, MedGen C1859148, MONDO:0008970, OMIM 215045.
Eiken syndrome (EKNS). Also called: BONE MODELING DEFECT OF HANDS AND FEET. Identifiers: Orphanet 79106, MedGen C1838779, MONDO:0010803, OMIM 600002.
Metaphyseal chondrodysplasia, Jansen type. Also called: PTH1R-Related Jansen Metaphyseal Chondrodysplasia; Metaphyseal chondrodysplasia Murk Jansen type. Identifiers: Orphanet 33067, MedGen C0265295, MONDO:0007982, OMIM 156400.

Allele frequency attached by ClinVar (database versions not stated): TOPMed below 0.00001; ExAC 0.00005.
gnomAD v4.1: 32 of 1,613,718 alleles (0.002%); highest among the groups gnomAD compares: East Asian, 0.0022%; no homozygotes.

Submissions (2):

Labcorp Genetics (formerly Invitae), Labcorp
Classification: Uncertain significance. Last evaluated: 2025-02-21. Review status: criteria provided, single submitter. Criteria: Invitae Variant Classification Sherloc (09022015). Collection method: clinical testing. Allele origin: germline.
Comment: This sequence change replaces arginine, which is basic and polar, with cysteine, which is neutral and slightly polar, at codon 488 of the PTH1R protein (p.Arg488Cys). This variant is present in population databases (rs199890811, gnomAD 0.007%). This variant has not been reported in the literature in individuals affected with PTH1R-related conditions. ClinVar contains an entry for this variant (Variation ID: 1955438). Invitae Evidence Modeling of protein sequence and biophysical properties (such as structural, functional, and spatial information, amino acid conservation, physicochemical variation, residue mobility, and thermodynamic stability) indicates that this missense variant is not expected to disrupt PTH1R protein function with a negative predictive value of 80%. In summary, the available evidence is currently insufficient to determine the role of this variant in disease. Therefore, it has been classified as a Variant of Uncertain Significance.

Fulgent Genetics
Classification: Uncertain significance for Primary failure of tooth eruption; Metaphyseal chondrodysplasia, Jansen type; Chondrodysplasia Blomstrand type; Eiken syndrome. Last evaluated: 2024-01-22. Review status: criteria provided, single submitter. Criteria: ACMG Guidelines, 2015. Collection method: clinical testing. Allele origin: germline.

NM_000316.3(PTH1R):c.1462C>T (p.Arg488Cys)

Gene: PTH1R (parathyroid hormone 1 receptor; plus strand). Cytogenetic location: 3p21.31.
Variant type: single nucleotide variant.
Coding change: c.1462C>T on transcript NM_000316.3 (MANE Select); coding-DNA position 1462, C replaced by T.
Protein change: p.Arg488Cys; replaces arginine 488 with cysteine.
Molecular consequence: missense variant.
Genome position (GRCh38, 1-based): chr3:46,903,336, C>T. VCF-style: chr3-46903336-C-T. GRCh37 (hg19) VCF-style: chr3-46944826-C-T.
Other names: c.1462C>T, p.Arg488Cys (NM_001184744.1); short protein forms R488C.
Identifiers: ClinVar variation 1955438 (VCV001955438.6), dbSNP rs199890811, ClinGen allele CA2359567.